The following is an entry in ClinVar:

ClinVar aggregate classification (germline): Likely pathogenic. Review status: reviewed by expert panel (3 of 4 stars). 5 submissions from 5 submitters: Likely pathogenic (1). 4 of the submissions do not count toward it. Last evaluated 2026-08-20.

Conditions:
Leber congenital amaurosis (LCA). Also called: Leber's amaurosis. Identifiers: Orphanet 65, MedGen C0339527, MeSH D057130, MONDO:0018998.
Retinitis pigmentosa 20 (RP20). Identifiers: Orphanet 791, MedGen C3151086, MONDO:0013425, OMIM 613794.
Leber congenital amaurosis 2 (LCA2). Also called: AMAUROSIS CONGENITA OF LEBER II; Autosomal Recessive RPE65-Related Retinal Degeneration. Identifiers: Orphanet 65, MedGen C1859844, MONDO:0008765, OMIM 204100. Disease mechanism: loss of function.
RPE65-related recessive retinopathy. Also called: Recessive RPE65 retinopathy. Identifiers: MedGen CN305526, MONDO:0100368.

Allele frequency attached by ClinVar (database versions not stated): gnomAD 0.00013 and 0.00014; gnomAD exomes 0.00001 and 0.00002; TOPMed 0.00010.

Submissions (5):

ClinGen Leber Congenital Amaurosis/early Onset Retinal Dystrophy Variant Curation Expert Panel, ClinGen
Classification: Likely pathogenic for RPE65-related recessive retinopathy. Last evaluated: 2026-08-20. Review status: reviewed by expert panel. Criteria: ClinGen LCAeoRD ACMG Specifications RPE65 V1.0.0. Collection method: curation. Allele origin: germline. Inheritance: Autosomal recessive inheritance.
Comment: NM_000329.3(RPE65):c.419G>A is a missense variant causing substitution of glycine by glutamic acid at position 140. This variant has been reported in at least 1 proband with early-onset severe retinal dystrophy who was homozygous for the variant (0.5 points, PMID: 30870047). This variant has also been reported in at least 2 probands with early-onset severe retinal dystrophy who were compound heterozygous with the NM_000329.3(RPE65):c.242G>T (p.Arg81Ile) and NM_000329.3(RPE65):c.1338G>T (p.Arg446Ser) variants confirmed in trans (2 points, PMID: 30870047), which were previously classified pathogenic by the ClinGen LCA / eoRD VCEP (2.5 total points, PM3_Strong). At least one proband harboring this variant exhibits a phenotype including diagnosis with Leber congenital amaurosis (0.5 pts) by exome sequencing that did not provide an alternative explanation for visual impairment (2 pts), onset at 1 month of age (1 pt), undetectable ERG responses from rods (0.5 pts) and cones (1 pt), nyctalopia (0.5 pts), reduced visual acuity (1 pt), light gazing (1 pt), RPE mottling (0.5 pts), optic nerve pallor (0.5 pt), nystagmus (1 pt), and pigmentary retinopathy with attenuated vessels (0.5 pt), which together are highly specific for RPE65-related recessive retinopathy (10 total points, PMID: 30870047, PP4_Moderate). This variant is present in gnomAD v.4.1.1 at allele frequency of 0.00001425 , with 23/ 1614004 total alleles which is lower than the ClinGen LCA / eoRD VCEP PM2_Supporting threshold of <0.0002 (PM2_Supporting). The computational predictor REVEL gives a score of 0.847, which is above the ClinGen LCA / eoRD VCEP threshold of ≥ 0.773 and predicts a damaging effect on RPE65 function (PP3_Moderate). In summary, this variant meets the criteria to be classified as Likely Pathogenic for RPE65-related recessive retinopathy based on the ACMG/AMP criteria applied, as specified by the ClinGen LCA / eoRD VCEP: PM2_Supporting, PM3_Strong, PP3_Moderate, and PP4_Moderate. (LCA/eoRD VCEP specifications version 1.0.0).

Labcorp Genetics (formerly Invitae), Labcorp
Classification: Pathogenic for Leber congenital amaurosis 2; Retinitis pigmentosa 20. Last evaluated: 2025-07-20. Review status: criteria provided, single submitter. Criteria: Invitae Variant Classification Sherloc (09022015). Collection method: clinical testing. Allele origin: germline. Not counted in ClinVar's aggregate classification.
Comment: This sequence change replaces glycine, which is neutral and non-polar, with glutamic acid, which is acidic and polar, at codon 140 of the RPE65 protein (p.Gly140Glu). This variant is present in population databases (no rsID available, gnomAD 0.01%). This missense change has been observed in individual(s) with Leber congenital amaurosis or retinitis pigmentosa (PMID: 28181551, 30870047). In at least one individual the data is consistent with being in trans (on the opposite chromosome) from a pathogenic variant. ClinVar contains an entry for this variant (Variation ID: 467827). Invitae Evidence Modeling of protein sequence and biophysical properties (such as structural, functional, and spatial information, amino acid conservation, physicochemical variation, residue mobility, and thermodynamic stability) indicates that this missense variant is not expected to disrupt RPE65 protein function with a negative predictive value of 80%. For these reasons, this variant has been classified as Pathogenic.

Natera, Inc.
Classification: Likely pathogenic for Leber congenital amaurosis. Last evaluated: 2024-03-04. Review status: criteria provided, single submitter. Criteria: Natera Variant Classification Schema (03/2026). Collection method: clinical testing. Allele origin: germline. Not counted in ClinVar's aggregate classification.
Comment: The c.419G>A variant in RPE65 is a missense variant predicted to cause substitution of glycine to glutamic acid at amino acid 140. This variant is rare in the general population with a frequency below the threshold expected for the associated phenotype(s). This variant has been observed in one or more individuals affected with the associated recessive disease, as either homozygous or compound heterozygous with a second variant (PMID: 30870047, 28181551). Computational prediction algorithms indicate this variant is likely to affect gene or protein function. Given the available evidence, this variant is classified as Likely Pathogenic.

Baylor Genetics
Classification: Pathogenic for Leber congenital amaurosis 2. Last evaluated: 2023-10-23. Review status: criteria provided, single submitter. Criteria: ACMG Guidelines, 2015. Collection method: clinical testing. Allele origin: unknown. Not counted in ClinVar's aggregate classification.

Cytogenetics and Genomics Laboratory, Medical University of South Carolina
Classification: Likely pathogenic for Leber congenital amaurosis. Last evaluated: 2018-06-01. Review status: criteria provided, single submitter. Criteria: ACMG Guidelines, 2015. Collection method: research. Allele origin: inherited. Affected: yes. Observed: 9 variant alleles. Not counted in ClinVar's aggregate classification.

Literature cited by the submitters: PubMed 28181551 (cited by Labcorp Genetics (formerly Invitae), Labcorp and Natera, Inc.); PubMed 30870047 (cited by Labcorp Genetics (formerly Invitae), Labcorp and Natera, Inc.).

NM_000329.3(RPE65):c.419G>A (p.Gly140Glu)

Gene: RPE65 (retinoid isomerohydrolase RPE65; minus strand). Cytogenetic location: 1p31.3.
Variant type: single nucleotide variant.
Coding change: c.419G>A on transcript NM_000329.3 (MANE Select); coding-DNA position 419, G replaced by A.
Protein change: p.Gly140Glu; replaces glycine 140 with glutamic acid.
Molecular consequence: missense variant.
Genome position (GRCh38, 1-based): chr1:68,444,607, C>T on the plus strand (G>A on the coding strand, the complement: RPE65 is on the minus strand). VCF-style: chr1-68444607-C-T. GRCh37 (hg19) VCF-style: chr1-68910290-C-T.
Other names: NM_000329.3(RPE65):c.419G>A; p.Gly140Glu; short protein forms G140E.
Identifiers: ClinVar variation 467827 (VCV000467827.12), dbSNP rs1191496583, ClinGen allele CA340747862.
Genomic context (GRCh38, chr1:68,444,607, plus strand): 5'-AAGGTCTCTGGATTAATCTTTGTAATAAAGTTGGTCTCTGTGCAAGCGTAGTAATCTTCC[C>T]CCACTGGGTAGACATTAACAAGGGCATTGTCAGTAACCTCTACTCCTCGAAAGTAAGAAA-3'
Protein context (NP_000320.1, residues 130-150): DNALVNVYPV[Gly140Glu]EDYYACTETN